The following is an entry in ClinVar:

ClinVar aggregate classification (germline): Uncertain significance (1 of 4 stars; one submission).

Allele frequency attached by ClinVar (database versions not stated): gnomAD exomes 0.00001.
gnomAD v4.1: 3 of 1,604,856 alleles (0.00019%); highest among the groups gnomAD compares: Non-Finnish European, 0.00026%; no homozygotes.

Submission:

Labcorp Genetics (formerly Invitae), Labcorp
Classification: Uncertain significance. Last evaluated: 2024-10-22. Review status: criteria provided, single submitter. Criteria: Invitae Variant Classification Sherloc (09022015). Collection method: clinical testing. Allele origin: germline.
Comment: This sequence change replaces tyrosine, which is neutral and polar, with cysteine, which is neutral and slightly polar, at codon 1352 of the COL4A1 protein (p.Tyr1352Cys). This variant is not present in population databases (gnomAD no frequency). This variant has not been reported in the literature in individuals affected with COL4A1-related conditions. Invitae Evidence Modeling of protein sequence and biophysical properties (such as structural, functional, and spatial information, amino acid conservation, physicochemical variation, residue mobility, and thermodynamic stability) indicates that this missense variant is not expected to disrupt COL4A1 protein function with a negative predictive value of 95%. In summary, the available evidence is currently insufficient to determine the role of this variant in disease. Therefore, it has been classified as a Variant of Uncertain Significance.

NM_001845.6(COL4A1):c.4055A>G (p.Tyr1352Cys)

Gene: COL4A1 (collagen type IV alpha 1 chain; minus strand). Cytogenetic location: 13q34.
Variant type: single nucleotide variant.
Coding change: c.4055A>G on transcript NM_001845.6 (MANE Select); coding-DNA position 4055, A replaced by G.
Protein change: p.Tyr1352Cys; replaces tyrosine 1352 with cysteine.
Molecular consequence: missense variant.
Genome position (GRCh38, 1-based): chr13:110,164,957, T>C on the plus strand (A>G on the coding strand, the complement: COL4A1 is on the minus strand). VCF-style: chr13-110164957-T-C. GRCh37 (hg19) VCF-style: chr13-110817304-T-C.
Other names: short protein forms Y1352C.
Identifiers: ClinVar variation 2746015 (VCV002746015.3), dbSNP rs2501746104, ClinGen allele CA388660255.